The following is an entry in ClinVar:

NM_152683.4(PRIMPOL):c.219T>C (p.Asp73=)

Gene: PRIMPOL (primase and DNA directed polymerase; plus strand). Cytogenetic location: 4q35.1.
Variant type: single nucleotide variant.
Coding change: c.219T>C on transcript NM_152683.4 (MANE Select); coding-DNA position 219, T replaced by C.
Protein change: p.Asp73=; no amino-acid change (aspartic acid 73 retained).
Molecular consequence: synonymous variant. On other transcripts: 5 prime UTR variant (6), non-coding transcript variant (3).
Genome position (GRCh38, 1-based): chr4:184,659,378, T>C. VCF-style: chr4-184659378-T-C. GRCh37 (hg19) VCF-style: chr4-185580532-T-C.
Other names: c.-169T>C (NM_001300767.2); c.219T>C, p.Asp73= (NM_001300768.2, NM_001345891.2, NM_001345892.2 and 4 more transcripts); c.-348T>C (NM_001345894.2, NM_001345897.2, NM_001345898.2 and 1 more transcripts); c.-29T>C (NM_001345900.2).
Identifiers: ClinVar variation 723431 (VCV000723431.5), dbSNP rs201904312, ClinGen allele CA3154225.
Genomic context (GRCh38, chr4:184,659,378, plus strand): 5'-ATTCTTTTTTGATTTTATGCAGGACGTTCATGTATTTGCTTTGGAATGCAAAGTAGGAGA[T>C]GGACAACGTATTTACCTTGTGACAACCTATGCTGAATTTTGGTTTTACTATAAATCCAGG-3'
Protein context (NP_689896.1, residues 63-83): HVFALECKVG[Asp73=]GQRIYLVTTY

ClinVar aggregate classification (germline): Likely benign. Review status: criteria provided, single submitter (1 of 4 stars). 2 submissions from 2 submitters: Likely benign (1). 1 of the submissions does not count toward it. Last evaluated 2018-04-09.

Conditions:
PRIMPOL-related disorder. Also called: PRIMPOL-related condition.

Allele frequency attached by ClinVar (database versions not stated): gnomAD exomes 0.00002 and 0.00008; 1000 Genomes Project 0.00020; 1000 Genomes Project 30x 0.00016; gnomAD 0.00001 and 0.00003; ExAC 0.00005; TOPMed 0.00003.
gnomAD v4.1: 44 of 1,614,050 alleles (0.0027%); highest among the groups gnomAD compares: East Asian, 0.067%; no homozygotes.

Submissions (2):

Labcorp Genetics (formerly Invitae), Labcorp
Classification: Likely benign. Last evaluated: 2018-04-09. Review status: criteria provided, single submitter. Criteria: Invitae Variant Classification Sherloc (09022015). Collection method: clinical testing. Allele origin: germline.

PreventionGenetics, part of Exact Sciences
Classification: Likely benign for PRIMPOL-related condition. Last evaluated: 2019-03-20. Review status: no assertion criteria provided. Collection method: clinical testing. Allele origin: germline. Not counted in ClinVar's aggregate classification.
Comment: This variant is classified as likely benign based on ACMG/AMP sequence variant interpretation guidelines (Richards et al. 2015 PMID: 25741868, with internal and published modifications).